The following is an entry in ClinVar:

NM_005428.4(VAV1):c.788C>A (p.Ala263Glu)

Gene: VAV1 (vav guanine nucleotide exchange factor 1; plus strand). Cytogenetic location: 19p13.3.
Variant type: single nucleotide variant.
Coding change: c.788C>A on transcript NM_005428.4 (MANE Select); coding-DNA position 788, C replaced by A.
Protein change: p.Ala263Glu; replaces alanine 263 with glutamic acid.
Molecular consequence: missense variant.
Genome position (GRCh38, 1-based): chr19:6,825,367, C>A. VCF-style: chr19-6825367-C-A. GRCh37 (hg19) VCF-style: chr19-6825378-C-A.
Other names: c.788C>A, p.Ala263Glu (NM_001258206.2); c.692C>A, p.Ala231Glu (NM_001258207.2); short protein forms A263E, A231E.
Identifiers: ClinVar variation 3662473 (VCV003662473.2).

ClinVar aggregate classification (germline): Uncertain significance (1 of 4 stars; one submission).

Submission:

Labcorp Genetics (formerly Invitae), Labcorp
Classification: Uncertain significance. Last evaluated: 2024-08-31. Review status: criteria provided, single submitter. Criteria: Invitae Variant Classification Sherloc (09022015). Collection method: clinical testing. Allele origin: germline.
Comment: This sequence change replaces alanine, which is neutral and non-polar, with glutamic acid, which is acidic and polar, at codon 263 of the VAV1 protein (p.Ala263Glu). This variant is not present in population databases (gnomAD no frequency). This variant has not been reported in the literature in individuals affected with VAV1-related conditions. An algorithm developed to predict the effect of missense changes on protein structure and function (PolyPhen-2) suggests that this variant is likely to be disruptive. In summary, the available evidence is currently insufficient to determine the role of this variant in disease. Therefore, it has been classified as a Variant of Uncertain Significance.